The following is an entry in ClinVar:

NM_000501.4(ELN):c.690T>A (p.Tyr230Ter)

Gene: ELN (elastin; plus strand). Cytogenetic location: 7q11.23.
Variant type: single nucleotide variant.
Coding change: c.690T>A on transcript NM_000501.4 (MANE Select); coding-DNA position 690, T replaced by A.
Protein change: p.Tyr230Ter; replaces tyrosine 230 with a stop codon.
Molecular consequence: nonsense.
Genome position (GRCh38, 1-based): chr7:74,048,146, T>A. VCF-style: chr7-74048146-T-A. GRCh37 (hg19) VCF-style: chr7-73462476-T-A.
Other names: c.660T>A, p.Tyr220Ter (NM_001081752.3, NM_001278917.2); c.705T>A, p.Tyr235Ter (NM_001081753.3, NM_001081754.3); c.690T>A, p.Tyr230Ter (NM_001081755.3, NM_001278912.2, NM_001278915.2 and 1 more transcripts); c.582T>A, p.Tyr194Ter (NM_001278913.2); c.675T>A, p.Tyr225Ter (NM_001278914.2); c.648T>A, p.Tyr216Ter (NM_001278916.2); c.558T>A, p.Tyr186Ter (NM_001278918.2); short protein forms Y230*, Y225*, Y194*, Y216*, Y186*, Y220*, Y235*.
Identifiers: ClinVar variation 581885 (VCV000581885.6), dbSNP rs1400530335, ClinGen allele CA367870468.

ClinVar aggregate classification (germline): Pathogenic (1 of 4 stars; one submission).

Conditions:
Supravalvar aortic stenosis (SVAS). Also called: Supravalvar aortic stenosis, Eisenberg type. Identifiers: Orphanet 3193, MedGen C0003499, MONDO:0008504, OMIM 185500, HP:0004381.

Submission:

Labcorp Genetics (formerly Invitae), Labcorp
Classification: Pathogenic for Supravalvar aortic stenosis. Last evaluated: 2018-06-29. Review status: criteria provided, single submitter. Criteria: Invitae Variant Classification Sherloc (09022015). Collection method: clinical testing. Allele origin: germline.
Comment: For these reasons, this variant has been classified as Pathogenic. Loss-of-function variants in ELN are known to be pathogenic (PMID: 11175284). This variant has not been reported in the literature in individuals with ELN-related disease. This variant is not present in population databases (ExAC no frequency). This sequence change creates a premature translational stop signal (p.Tyr230*) in the ELN gene. It is expected to result in an absent or disrupted protein product.

Literature cited by the submitters: PubMed 11175284.